The following is an entry in ClinVar:

ClinVar aggregate classification (germline): Uncertain significance. Review status: criteria provided, multiple submitters, no conflicts (2 of 4 stars). 2 submissions from 2 submitters: Uncertain significance (2). Last evaluated 2023-04-12.

Conditions:
Emery-Dreifuss muscular dystrophy 4, autosomal dominant (EDMD4). Also called: EMERY-DREIFUSS MUSCULAR DYSTROPHY 4 WITH VARIABLE FEATURES. Identifiers: Orphanet 261, MedGen C2751807, MONDO:0013071, OMIM 612998.
Autosomal recessive ataxia, Beauce type. Also called: Spinocerebellar ataxia, autosomal recessive 8; ATAXIA, RECESSIVE, OF BEAUCE; SYNE1-Related Autosomal Recessive Cerebellar Ataxia; SYNE1 Deficiency. Identifiers: Orphanet 88644, MedGen C1853116, MONDO:0012549, OMIM 610743.

Allele frequency attached by ClinVar (database versions not stated): TOPMed below 0.00001; gnomAD exomes 0.00001 and 0.00005; ExAC 0.00004.
gnomAD v4.1: 18 of 1,614,132 alleles (0.0011%); highest among the groups gnomAD compares: Admixed American, 0.023%; no homozygotes.

Submissions (2):

Athena Diagnostics
Classification: Uncertain significance. Last evaluated: 2023-04-12. Review status: criteria provided, single submitter. Criteria: Athena Diagnostics Criteria. Collection method: clinical testing. Allele origin: unknown.
Comment: Available data are insufficient to determine the clinical significance of the variant at this time. The frequency of this variant in the general population is uninformative in assessment of its pathogenicity. Computational tools predict that this variant is not damaging.

Labcorp Genetics (formerly Invitae), Labcorp
Classification: Uncertain significance for Emery-Dreifuss muscular dystrophy 4, autosomal dominant; Autosomal recessive ataxia, Beauce type. Last evaluated: 2020-02-21. Review status: criteria provided, single submitter. Criteria: Invitae Variant Classification Sherloc (09022015). Collection method: clinical testing. Allele origin: germline.
Comment: In summary, the available evidence is currently insufficient to determine the role of this variant in disease. Therefore, it has been classified as a Variant of Uncertain Significance. Algorithms developed to predict the effect of missense changes on protein structure and function (SIFT, PolyPhen-2, Align-GVGD) all suggest that this variant is likely to be disruptive, but these predictions have not been confirmed by published functional studies and their clinical significance is uncertain. This variant has not been reported in the literature in individuals with SYNE1-related conditions. This variant is present in population databases (rs775930653, ExAC 0.04%). This sequence change replaces histidine with tyrosine at codon 4249 of the SYNE1 protein (p.His4249Tyr). The histidine residue is highly conserved and there is a moderate physicochemical difference between histidine and tyrosine.

NM_182961.4(SYNE1):c.12958C>T (p.His4320Tyr)

Gene: SYNE1 (spectrin repeat containing nuclear envelope protein 1; minus strand). Cytogenetic location: 6q25.2.
Variant type: single nucleotide variant.
Coding change: c.12958C>T on transcript NM_182961.4 (MANE Select); coding-DNA position 12958, C replaced by T.
Protein change: p.His4320Tyr; replaces histidine 4320 with tyrosine.
Molecular consequence: missense variant.
Genome position (GRCh38, 1-based): chr6:152,331,727, G>A on the plus strand (C>T on the coding strand, the complement: SYNE1 is on the minus strand). VCF-style: chr6-152331727-G-A. GRCh37 (hg19) VCF-style: chr6-152652862-G-A.
Other names: c.12745C>T, p.His4249Tyr (NM_033071.5); c.12958C>T (NM_182961.2); short protein forms H4320Y, H4249Y.
Identifiers: ClinVar variation 945939 (VCV000945939.8), dbSNP rs775930653, ClinGen allele CA4056281.